The following is an entry in ClinVar:

NM_018139.3(DNAAF2):c.1736A>C (p.Lys579Thr)

Gene: DNAAF2 (dynein axonemal assembly factor 2; minus strand). Cytogenetic location: 14q21.3.
Variant type: single nucleotide variant.
Coding change: c.1736A>C on transcript NM_018139.3 (MANE Select); coding-DNA position 1736, A replaced by C.
Protein change: p.Lys579Thr; replaces lysine 579 with threonine.
Molecular consequence: missense variant. On other transcripts: intron variant (1).
Genome position (GRCh38, 1-based): chr14:49,633,414, T>G on the plus strand (A>C on the coding strand, the complement: DNAAF2 is on the minus strand). VCF-style: chr14-49633414-T-G. GRCh37 (hg19) VCF-style: chr14-50100132-T-G.
Other names: c.1736A>C, p.Lys579Thr (NM_001083908.2); c.-205+69A>C (NM_001378453.1); short protein forms K579T.
Identifiers: ClinVar variation 3502872 (VCV003502872.1).

ClinVar aggregate classification (germline): Uncertain significance (1 of 4 stars; one submission).

Conditions:
Primary ciliary dyskinesia. Also called: Ciliary dyskinesia. Identifiers: Orphanet 244, MedGen C0008780, MONDO:0016575, HP:0012265.

gnomAD v4.1: 67 of 1,613,944 alleles (0.0042%); highest among the groups gnomAD compares: Non-Finnish European, 0.0054%; no homozygotes.

Submission:

Ambry Genetics
Classification: Uncertain significance for Primary ciliary dyskinesia. Last evaluated: 2024-07-30. Review status: criteria provided, single submitter. Criteria: Ambry Variant Classification Scheme 2023. Collection method: clinical testing. Allele origin: germline.
Comment: The p.K579T variant (also known as c.1736A>C), located in coding exon 1 of the DNAAF2 gene, results from an A to C substitution at nucleotide position 1736. The lysine at codon 579 is replaced by threonine, an amino acid with similar properties. This amino acid position is conserved. In addition, this alteration is predicted to be tolerated by in silico analysis. Based on the available evidence, the clinical significance of this variant remains unclear.